The following is an entry in ClinVar:

NM_177972.3(TUB):c.979A>G (p.Ser327Gly)

Genes: RIC3 (RIC3 acetylcholine receptor chaperone; minus strand), TUB (TUB bipartite transcription factor; plus strand). Cytogenetic location: 11p15.4.
Variant type: single nucleotide variant.
Coding change: c.979A>G on transcript NM_177972.3 (MANE Select); coding-DNA position 979, A replaced by G.
Protein change: p.Ser327Gly; replaces serine 327 with glycine.
Molecular consequence: missense variant.
Genome position (GRCh38, 1-based): chr11:8,097,807, A>G. VCF-style: chr11-8097807-A-G. GRCh37 (hg19) VCF-style: chr11-8119354-A-G.
Other names: c.1144A>G, p.Ser382Gly (NM_003320.5); short protein forms S327G, S382G.
Identifiers: ClinVar variation 3347529 (VCV003347529.1).
Genomic context (GRCh38, chr11:8,097,807, plus strand): 5'-AGTAAAACTTCCAATTACCTCATCTCTGTGGACCCAACAGACTTGTCTCGAGGAGGGGAC[A>G]GCTATATCGGGAAACTGCGGTACTAGCATTCCCCCAGGAAGCAGGCGGGAGTGGGAGGGA-3'
Protein context (NP_813977.1, residues 317-337): DPTDLSRGGD[Ser327Gly]YIGKLRSNLM

ClinVar aggregate classification (germline): Uncertain significance (0 of 4 stars; one submission).

Conditions:
TUB-related disorder. Also called: TUB-related condition.

gnomAD v4.1: 4 of 1,613,826 alleles (0.00025%); highest among the groups gnomAD compares: South Asian, 0.0044%; no homozygotes.

Submission:

PreventionGenetics, part of Exact Sciences
Classification: Uncertain significance for TUB-related condition. Last evaluated: 2024-05-20. Review status: no assertion criteria provided. Collection method: clinical testing. Allele origin: germline.
Comment: The TUB c.1144A>G variant is predicted to result in the amino acid substitution p.Ser382Gly. To our knowledge, this variant has not been reported in the literature. This variant is reported in 0.0033% of alleles in individuals of South Asian descent in gnomAD. At this time, the clinical significance of this variant is uncertain due to the absence of conclusive functional and genetic evidence.